The following is an entry in ClinVar:

NM_004836.7(EIF2AK3):c.1905G>A (p.Lys635=)

Gene: EIF2AK3 (eukaryotic translation initiation factor 2 alpha kinase 3; minus strand). Cytogenetic location: 2p11.2.
Variant type: single nucleotide variant.
Coding change: c.1905G>A on transcript NM_004836.7 (MANE Select); coding-DNA position 1905, G replaced by A.
Protein change: p.Lys635=; no amino-acid change (lysine 635 retained).
Molecular consequence: synonymous variant.
Genome position (GRCh38, 1-based): chr2:88,576,685, C>T on the plus strand (G>A on the coding strand, the complement: EIF2AK3 is on the minus strand). VCF-style: chr2-88576685-C-T. GRCh37 (hg19) VCF-style: chr2-88876203-C-T.
Other names: c.1452G>A, p.Lys484= (NM_001313915.2); c.1905G>A (NM_004836.6).
Identifiers: ClinVar variation 2792918 (VCV002792918.5), dbSNP rs186112888, ClinGen allele CA1754554.
Genomic context (GRCh38, chr2:88,576,685, plus strand): 5'-GAAATATCTAACAATGCCCGGGTGTTCAAGCTTGGCTAAGGCTTTAACTTCTCGCATTAC[C>T]TTTTCCCGAGCCAATTCCCTGAAAGAGAGAAAATATTTAAGGTGATGGATATTCCAATTA-3'
Protein context (NP_004827.4, residues 625-645): RLPNRELARE[Lys635=]VMREVKALAK

ClinVar aggregate classification (germline): Likely benign. Review status: criteria provided, single submitter (1 of 4 stars). 2 submissions from 2 submitters: Likely benign (1). 1 of the submissions does not count toward it. Last evaluated 2022-10-22.

Conditions:
EIF2AK3-related disorder. Also called: EIF2AK3-related condition.

Allele frequency attached by ClinVar (database versions not stated): gnomAD 0.00001; gnomAD exomes 0.00001; TOPMed 0.00001; ExAC 0.00002; 1000 Genomes Project 30x 0.00016; 1000 Genomes Project 0.00020.
gnomAD v4.1: 6 of 1,614,044 alleles (0.00037%); highest among the groups gnomAD compares: Admixed American, 0.01%; no homozygotes.

Submissions (2):

Labcorp Genetics (formerly Invitae), Labcorp
Classification: Likely benign. Last evaluated: 2022-10-22. Review status: criteria provided, single submitter. Criteria: Invitae Variant Classification Sherloc (09022015). Collection method: clinical testing. Allele origin: germline.

PreventionGenetics, part of Exact Sciences
Classification: Likely benign for EIF2AK3-related condition. Last evaluated: 2023-05-16. Review status: no assertion criteria provided. Collection method: clinical testing. Allele origin: germline. Not counted in ClinVar's aggregate classification.
Comment: This variant is classified as likely benign based on ACMG/AMP sequence variant interpretation guidelines (Richards et al. 2015 PMID: 25741868, with internal and published modifications).